The following is an entry in ClinVar:

ClinVar aggregate classification (germline): Uncertain significance. Review status: criteria provided, multiple submitters, no conflicts (2 of 4 stars). 2 submissions from 2 submitters: Uncertain significance (2). Last evaluated 2024-11-05.

Allele frequency attached by ClinVar (database versions not stated): ExAC 0.00001; gnomAD exomes 0.00002; gnomAD 0.00003; TOPMed 0.00003.

Submissions (2):

Labcorp Genetics (formerly Invitae), Labcorp
Classification: Uncertain significance. Last evaluated: 2024-11-05. Review status: criteria provided, single submitter. Criteria: Invitae Variant Classification Sherloc (09022015). Collection method: clinical testing. Allele origin: germline.
Comment: This sequence change replaces proline, which is neutral and non-polar, with serine, which is neutral and polar, at codon 79 of the OR2W3 protein (p.Pro79Ser). This variant is present in population databases (rs746184186, gnomAD 0.004%). This variant has not been reported in the literature in individuals affected with OR2W3-related conditions. ClinVar contains an entry for this variant (Variation ID: 2174680). An algorithm developed to predict the effect of missense changes on protein structure and function (PolyPhen-2) suggests that this variant is likely to be disruptive. In summary, the available evidence is currently insufficient to determine the role of this variant in disease. Therefore, it has been classified as a Variant of Uncertain Significance.

Ambry Genetics
Classification: Uncertain significance. Last evaluated: 2023-10-16. Review status: criteria provided, single submitter. Criteria: Ambry Variant Classification Scheme 2023. Collection method: clinical testing. Allele origin: germline.

NM_001001957.2(OR2W3):c.235C>T (p.Pro79Ser)

Gene: OR2W3 (olfactory receptor family 2 subfamily W member 3; plus strand). Cytogenetic location: 1q44.
Variant type: single nucleotide variant.
Coding change: c.235C>T on transcript NM_001001957.2 (MANE Select); coding-DNA position 235, C replaced by T.
Protein change: p.Pro79Ser; replaces proline 79 with serine.
Molecular consequence: missense variant.
Genome position (GRCh38, 1-based): chr1:247,895,821, C>T. VCF-style: chr1-247895821-C-T. GRCh37 (hg19) VCF-style: chr1-248059123-C-T.
Other names: short protein forms P79S.
Identifiers: ClinVar variation 2174680 (VCV002174680.5), dbSNP rs746184186, ClinGen allele CA1498549.